The following is an entry in ClinVar:

ClinVar aggregate classification (germline): Uncertain significance (1 of 4 stars; one submission).

Submission:

GeneDx
Classification: Uncertain significance. Last evaluated: 2022-11-28. Review status: criteria provided, single submitter. Criteria: GeneDx Variant Classification Process June 2021. Collection method: clinical testing. Allele origin: germline. Affected: yes.
Comment: Not observed at significant frequency in large population cohorts (gnomAD); In silico analysis supports that this missense variant has a deleterious effect on protein structure/function; Has not been previously published as pathogenic or benign to our knowledge

NM_003922.4(HERC1):c.1688T>C (p.Val563Ala)

Gene: HERC1 (HECT and RLD domain containing E3 ubiquitin protein ligase family member 1; minus strand). Cytogenetic location: 15q22.31.
Variant type: single nucleotide variant.
Coding change: c.1688T>C on transcript NM_003922.4 (MANE Select); coding-DNA position 1688, T replaced by C.
Protein change: p.Val563Ala; replaces valine 563 with alanine.
Molecular consequence: missense variant.
Genome position (GRCh38, 1-based): chr15:63,754,591, A>G on the plus strand (T>C on the coding strand, the complement: HERC1 is on the minus strand). VCF-style: chr15-63754591-A-G. GRCh37 (hg19) VCF-style: chr15-64046790-A-G.
Other names: short protein forms V563A.
Identifiers: ClinVar variation 2503358 (VCV002503358.1), dbSNP rs2551772889, ClinGen allele CA392803697.